The following is an entry in ClinVar:

ClinVar aggregate classification (germline): Conflicting classifications of pathogenicity. Review status: criteria provided, conflicting classifications (1 of 4 stars). 3 submissions from 3 submitters: Pathogenic (1); Likely pathogenic (1); Uncertain significance (1). Last evaluated 2025-12-05.

Conditions:
Marfan syndrome (MFS). Also called: MARFAN SYNDROME, TYPE I; Marfan syndrome type 1; Marfan's syndrome; Marfan syndrome, classic; FBN1-Related Marfan Syndrome. Identifiers: Orphanet 284963, Orphanet 558, MedGen C0024796, MONDO:0007947, OMIM 154700.
Familial thoracic aortic aneurysm and aortic dissection (TAAD). Also called: Thoracic aortic aneurysms and dissections. Identifiers: Orphanet 91387, MedGen C4707243, MONDO:0019625.

Submissions (3):

Variantyx, Inc.
Classification: Likely pathogenic for Marfan syndrome. Last evaluated: 2025-12-05. Review status: criteria provided, single submitter. Criteria: Variantyx Assertion Criteria 2022. Collection method: clinical testing. Allele origin: germline. Inheritance: Autosomal dominant inheritance. Affected: yes.
Comment: This is a nonsynonymous variant in the FBN1 gene (OMIM: 134797). Pathogenic variants in this gene have been associated with autosomal dominant Marfan syndrome. The clinical symptoms reported for this individual are highly specific for autosomal dominant Marfan syndrome, which has a limited genetic etiology (PP4). This variant has been reported in at least one affected individual (PMID: 27906200) (PS4). The alteration lies within a known hotspot for pathogenic variants or a well-established critical functional domain of the FBN1 protein (PM1), and multiple computational algorithms predict a deleterious effect for this variant (REVEL score: 0.965) (PP3). This variant is absent from control populations (PM2). Based on the current evidence, this variant is classified as likely pathogenic for autosomal dominant Marfan syndrome.

Women's Health and Genetics/Laboratory Corporation of America, LabCorp
Classification: Uncertain significance. Last evaluated: 2024-06-18. Review status: criteria provided, single submitter. Criteria: LabCorp Variant Classification Summary - May 2015. Collection method: clinical testing. Allele origin: germline.
Comment: Variant summary: FBN1 c.5338G>A (p.Gly1780Arg) results in a non-conservative amino acid change located in the EGF-like domain (IPR000742) of the encoded protein sequence. Five of five in-silico tools predict a damaging effect of the variant on protein function. The variant was absent in 251152 control chromosomes. The available data on variant occurrences in the general population are insufficient to allow any conclusion about variant significance. c.5338G>A has been reported in the literature in at least one heterozygous individual affected with Marfan syndrome (e.g., Seo_2018). To our knowledge, no experimental evidence demonstrating an impact on protein function has been reported. The following publication has been ascertained in the context of this evaluation (PMID: 29768367). No submitters have cited clinical-significance assessments for this variant to ClinVar. Based on the evidence outlined above, the variant was classified as uncertain significance.

Labcorp Genetics (formerly Invitae), Labcorp
Classification: Pathogenic for Marfan syndrome; Familial thoracic aortic aneurysm and aortic dissection. Last evaluated: 2024-06-17. Review status: criteria provided, single submitter. Criteria: Invitae Variant Classification Sherloc (09022015). Collection method: clinical testing. Allele origin: germline.
Comment: This sequence change replaces glycine, which is neutral and non-polar, with arginine, which is basic and polar, at codon 1780 of the FBN1 protein (p.Gly1780Arg). This variant is not present in population databases (gnomAD no frequency). This missense change has been observed in individuals with Marfan syndrome (PMID: 29768367; Invitae). Advanced modeling of protein sequence and biophysical properties (such as structural, functional, and spatial information, amino acid conservation, physicochemical variation, residue mobility, and thermodynamic stability) performed at Invitae indicates that this missense variant is expected to disrupt FBN1 protein function with a positive predictive value of 95%. This variant disrupts the p.Gly1780 amino acid residue in FBN1. Other variant(s) that disrupt this residue have been determined to be pathogenic (PMID: 19802897, 32679894; Invitae). This suggests that this residue is clinically significant, and that variants that disrupt this residue are likely to be disease-causing. For these reasons, this variant has been classified as Pathogenic.

Literature cited by the submitters: PubMed 27906200 (cited by Variantyx, Inc.); PubMed 29768367 (cited by Women's Health and Genetics/Laboratory Corporation of America, LabCorp and Labcorp Genetics (formerly Invitae), Labcorp); PubMed 19802897 (cited by Labcorp Genetics (formerly Invitae), Labcorp); PubMed 32679894 (cited by Labcorp Genetics (formerly Invitae), Labcorp).

NM_000138.5(FBN1):c.5338G>A (p.Gly1780Arg)

Gene: FBN1 (fibrillin 1; minus strand). Cytogenetic location: 15q21.1.
Variant type: single nucleotide variant.
Coding change: c.5338G>A on transcript NM_000138.5 (MANE Select); coding-DNA position 5338, G replaced by A.
Protein change: p.Gly1780Arg; replaces glycine 1780 with arginine.
Molecular consequence: missense variant.
Genome position (GRCh38, 1-based): chr15:48,456,721, C>T on the plus strand (G>A on the coding strand, the complement: FBN1 is on the minus strand). VCF-style: chr15-48456721-C-T. GRCh37 (hg19) VCF-style: chr15-48748918-C-T.
Other names: c.5338G>A, p.Gly1780Arg (NM_001406716.1); short protein forms G1780R.
Identifiers: ClinVar variation 2925549 (VCV002925549.5), dbSNP rs2505479129, ClinGen allele CA392346242.